The following is an entry in ClinVar:

NM_012073.5(CCT5):c.85A>C (p.Met29Leu)

Gene: CCT5 (chaperonin containing TCP1 subunit 5; plus strand). Cytogenetic location: 5p15.2.
Variant type: single nucleotide variant.
Coding change: c.85A>C on transcript NM_012073.5 (MANE Select); coding-DNA position 85, A replaced by C.
Protein change: p.Met29Leu; replaces methionine 29 with leucine.
Molecular consequence: missense variant. On other transcripts: intron variant (1).
Genome position (GRCh38, 1-based): chr5:10,250,425, A>C. VCF-style: chr5-10250425-A-C. GRCh37 (hg19) VCF-style: chr5-10250537-A-C.
Other names: c.85A>C, p.Met29Leu (NM_001306154.2); c.42+380A>C (NM_001306153.1); short protein forms M29L.
Identifiers: ClinVar variation 1401115 (VCV001401115.8), dbSNP rs773861292, ClinGen allele CA3197949.
Genomic context (GRCh38, chr5:10,250,425, plus strand): 5'-TTCGATGAATATGGGCGCCCTTTCCTCATCATCAAGGATCAGGACCGCAAGTCCCGTCTT[A>C]TGGGACTTGAGGCCCTCAAGGTAATGGCACAGGGACCTGCTCGCGGTGGGCTAAGGGGAG-3'
Protein context (NP_036205.1, residues 19-39): IKDQDRKSRL[Met29Leu]GLEALKSHIM

ClinVar aggregate classification (germline): Uncertain significance (1 of 4 stars; one submission).

Conditions:
Hereditary sensory and autonomic neuropathy with spastic paraplegia (HSNSP). Identifiers: Orphanet 139578, MedGen C1850395, MONDO:0009748, OMIM 256840.

Allele frequency attached by ClinVar (database versions not stated): ExAC 0.00001.
gnomAD v4.1: 12 of 1,613,646 alleles (0.00074%); highest among the groups gnomAD compares: Non-Finnish European, 0.001%; no homozygotes.

Submission:

Labcorp Genetics (formerly Invitae), Labcorp
Classification: Uncertain significance for Hereditary sensory and autonomic neuropathy with spastic paraplegia. Last evaluated: 2025-01-06. Review status: criteria provided, single submitter. Criteria: Invitae Variant Classification Sherloc (09022015). Collection method: clinical testing. Allele origin: germline.
Comment: This sequence change replaces methionine, which is neutral and non-polar, with leucine, which is neutral and non-polar, at codon 29 of the CCT5 protein (p.Met29Leu). This variant is present in population databases (rs773861292, gnomAD 0.0009%). This variant has not been reported in the literature in individuals affected with CCT5-related conditions. ClinVar contains an entry for this variant (Variation ID: 1401115). Invitae Evidence Modeling of protein sequence and biophysical properties (such as structural, functional, and spatial information, amino acid conservation, physicochemical variation, residue mobility, and thermodynamic stability) indicates that this missense variant is not expected to disrupt CCT5 protein function with a negative predictive value of 80%. In summary, the available evidence is currently insufficient to determine the role of this variant in disease. Therefore, it has been classified as a Variant of Uncertain Significance.